The following is an entry in ClinVar:

NM_001197104.2(KMT2A):c.9926T>C (p.Val3309Ala)

Gene: KMT2A (lysine methyltransferase 2A; plus strand). Cytogenetic location: 11q23.3.
Variant type: single nucleotide variant.
Coding change: c.9926T>C on transcript NM_001197104.2 (MANE Select); coding-DNA position 9926, T replaced by C.
Protein change: p.Val3309Ala; replaces valine 3309 with alanine.
Molecular consequence: missense variant.
Genome position (GRCh38, 1-based): chr11:118,505,818, T>C. VCF-style: chr11-118505818-T-C. GRCh37 (hg19) VCF-style: chr11-118376533-T-C.
Other names: c.10016T>C, p.Val3339Ala (NM_001412597.1); c.9917T>C, p.Val3306Ala (NM_005933.4); short protein forms V3339A, V3306A, V3309A.
Identifiers: ClinVar variation 3634354 (VCV003634354.2).

ClinVar aggregate classification (germline): Uncertain significance (1 of 4 stars; one submission).

gnomAD v4.1: 9 of 1,614,170 alleles (0.00056%); highest among the groups gnomAD compares: Non-Finnish European, 0.00076%; no homozygotes.

Submission:

Labcorp Genetics (formerly Invitae), Labcorp
Classification: Uncertain significance. Last evaluated: 2024-04-03. Review status: criteria provided, single submitter. Criteria: Invitae Variant Classification Sherloc (09022015). Collection method: clinical testing. Allele origin: germline.
Comment: This sequence change replaces valine, which is neutral and non-polar, with alanine, which is neutral and non-polar, at codon 3309 of the KMT2A protein (p.Val3309Ala). This variant is not present in population databases (gnomAD no frequency). This variant has not been reported in the literature in individuals affected with KMT2A-related conditions. Advanced modeling of protein sequence and biophysical properties (such as structural, functional, and spatial information, amino acid conservation, physicochemical variation, residue mobility, and thermodynamic stability) performed at Invitae indicates that this missense variant is not expected to disrupt KMT2A protein function with a negative predictive value of 95%. In summary, the available evidence is currently insufficient to determine the role of this variant in disease. Therefore, it has been classified as a Variant of Uncertain Significance.